The following is an entry in ClinVar:

ClinVar aggregate classification (germline): Uncertain significance (1 of 4 stars; one submission).

Conditions:
Cenani-Lenz syndactyly syndrome. Also called: CENANI SYNDACTYLISM; SYNDACTYLY, TYPE VII. Identifiers: Orphanet 3258, MedGen C1859309, MONDO:0008931, OMIM 212780.
Congenital myasthenic syndrome 17. Identifiers: Orphanet 590, MedGen C4225377, MONDO:0014578, OMIM 616304.
Sclerosteosis 2 (SOST2). Identifiers: Orphanet 3152, MedGen C3280402, MONDO:0013679, OMIM 614305.

Allele frequency attached by ClinVar (database versions not stated): gnomAD exomes below 0.00001; gnomAD 0.00001; TOPMed 0.00002.
gnomAD v4.1: 4 of 1,613,466 alleles (0.00025%); highest among the groups gnomAD compares: African/African-American, 0.0013%; no homozygotes.

Submission:

Labcorp Genetics (formerly Invitae), Labcorp
Classification: Uncertain significance for Cenani-Lenz syndactyly syndrome; Sclerosteosis 2; Congenital myasthenic syndrome 17. Last evaluated: 2022-06-24. Review status: criteria provided, single submitter. Criteria: Invitae Variant Classification Sherloc (09022015). Collection method: clinical testing. Allele origin: germline.
Comment: This sequence change replaces arginine, which is basic and polar, with tryptophan, which is neutral and slightly polar, at codon 1327 of the LRP4 protein (p.Arg1327Trp). This variant is present in population databases (no rsID available, gnomAD 0.01%). This variant has not been reported in the literature in individuals affected with LRP4-related conditions. Algorithms developed to predict the effect of missense changes on protein structure and function are either unavailable or do not agree on the potential impact of this missense change (SIFT: "Deleterious"; PolyPhen-2: "Benign"; Align-GVGD: "Class C15"). In summary, the available evidence is currently insufficient to determine the role of this variant in disease. Therefore, it has been classified as a Variant of Uncertain Significance.

NM_002334.4(LRP4):c.3979C>T (p.Arg1327Trp)

Gene: LRP4 (LDL receptor related protein 4; minus strand). Cytogenetic location: 11p11.2.
Variant type: single nucleotide variant.
Coding change: c.3979C>T on transcript NM_002334.4 (MANE Select); coding-DNA position 3979, C replaced by T.
Protein change: p.Arg1327Trp; replaces arginine 1327 with tryptophan.
Molecular consequence: missense variant.
Genome position (GRCh38, 1-based): chr11:46,875,050, G>A on the plus strand (C>T on the coding strand, the complement: LRP4 is on the minus strand). VCF-style: chr11-46875050-G-A. GRCh37 (hg19) VCF-style: chr11-46896601-G-A.
Other names: short protein forms R1327W.
Identifiers: ClinVar variation 2010124 (VCV002010124.1), dbSNP rs1259154546, ClinGen allele CA380271371.
Genomic context (GRCh38, chr11:46,875,050, plus strand): 5'-TCTTCCCATCTCCCTTCAGCTGGATGCCAGTGGGGCAGGCACAGGAGAAGCCAGAAGGCC[G>A]AGGCAAGCAGAGGTGGGAGCAGCCGCCATTTCTCGAGCCGCACTTGTTAAAACCTGGTGA-3'
Protein context (NP_002325.2, residues 1317-1337): NGGCSHLCLP[Arg1327Trp]PSGFSCACPT